The following is an entry in ClinVar:

ClinVar aggregate classification (germline): Pathogenic (1 of 4 stars; one submission).

Conditions:
Werner syndrome (WRN). Identifiers: Orphanet 902, MedGen C0043119, MONDO:0010196, OMIM 277700.

Submission:

Labcorp Genetics (formerly Invitae), Labcorp
Classification: Pathogenic for Werner syndrome. Last evaluated: 2020-11-20. Review status: criteria provided, single submitter. Criteria: Invitae Variant Classification Sherloc (09022015). Collection method: clinical testing. Allele origin: germline.
Comment: This sequence change creates a premature translational stop signal (p.Trp85*) in the WRN gene. It is expected to result in an absent or disrupted protein product. Loss-of-function variants in WRN are known to be pathogenic (PMID: 16673358). This variant is not present in population databases (ExAC no frequency). This variant has not been reported in the literature in individuals with WRN-related conditions. For these reasons, this variant has been classified as Pathogenic.

Literature cited by the submitters: PubMed 16673358.

NM_000553.6(WRN):c.254G>A (p.Trp85Ter)

Gene: WRN (WRN RecQ like helicase; plus strand). Cytogenetic location: 8p12.
Variant type: single nucleotide variant.
Coding change: c.254G>A on transcript NM_000553.6 (MANE Select); coding-DNA position 254, G replaced by A.
Protein change: p.Trp85Ter; replaces tryptophan 85 with a stop codon.
Molecular consequence: nonsense.
Genome position (GRCh38, 1-based): chr8:31,064,333, G>A. VCF-style: chr8-31064333-G-A. GRCh37 (hg19) VCF-style: chr8-30921849-G-A.
Other names: short protein forms W85*.
Identifiers: ClinVar variation 1358746 (VCV001358746.6), dbSNP rs2130032250, ClinGen allele CA370914033.